The following is an entry in ClinVar:

NM_002666.5(PLIN1):c.690_691del (p.Arg231fs)

Gene: PLIN1 (perilipin 1; minus strand). Cytogenetic location: 15q26.1.
Variant type: Microsatellite.
Coding change: c.690_691del on transcript NM_002666.5 (MANE Select); coding-DNA positions 690 to 691, 2 bases deleted (TC; older notation c.690_691delTC).
Protein change: p.Arg231fs; shifts the reading frame from arginine 231.
Molecular consequence: frameshift variant.
Genome position (GRCh38, 1-based): chr15:89,669,580-89,669,581, GA deleted on the plus strand (TC on the coding strand, the reverse complement: PLIN1 is on the minus strand); deleting any 2 consecutive bases within chr15:89,669,580-89,669,586 gives the same sequence; the c. name uses the placement nearest the transcript's 3' end. VCF-style (leftmost placement, unchanged base first): chr15-89669579-CGA-C. GRCh37 (hg19) VCF-style: chr15-90212810-CGA-C.
Other names: c.690_691del, p.Arg231fs (NM_001145311.2); short protein forms R231fs.
Identifiers: ClinVar variation 2645695 (VCV002645695.24), dbSNP rs2505540469, ClinGen allele CA2695197365.

ClinVar aggregate classification (germline): Uncertain significance (1 of 4 stars; one submission).

Submission:

CeGaT Center for Human Genetics Tuebingen
Classification: Uncertain significance. Last evaluated: 2023-03-01. Review status: criteria provided, single submitter. Criteria: CeGaT Center For Human Genetics Tuebingen Variant Classification Criteria Version 2. Collection method: clinical testing. Allele origin: germline. Affected: yes. Observed: 1 variant allele.
Comment: PLIN1: PM2, PVS1:Moderate